The following is an entry in ClinVar:

ClinVar aggregate classification (germline): Likely benign (3 of 4 stars; one submission).

Conditions:
Breast-ovarian cancer, familial, susceptibility to, 1 (BROVCA1). Also called: BRCA1 Hereditary Breast and Ovarian Cancer; OVARIAN CANCER, SUSCEPTIBILITY TO. Identifiers: Orphanet 145, MedGen C2676676, MONDO:0011450, OMIM 604370. Disease mechanism: loss of function.

Allele frequency attached by ClinVar (database versions not stated): gnomAD exomes below 0.00001; ExAC 0.00001; ESP Exome Variant Server 0.00008.

Submission:

Evidence-based Network for the Interpretation of Germline Mutant Alleles (ENIGMA)
Classification: Likely benign for Breast-ovarian cancer, familial, susceptibility to, 1. Last evaluated: 2017-06-29. Review status: reviewed by expert panel. Criteria: ENIGMA BRCA1/2 Classification Criteria (2017-06-29). Collection method: curation. Allele origin: germline.
Comment: Synonymous substitution variant, with low bioinformatic likelihood to result in a splicing aberration (Splicing prior probability 0.02).

NM_007294.4(BRCA1):c.1209T>C (p.Ser403=)

Gene: BRCA1 (BRCA1 DNA repair associated; minus strand). Cytogenetic location: 17q21.31.
Variant type: single nucleotide variant.
Coding change: c.1209T>C on transcript NM_007294.4 (MANE Select); coding-DNA position 1209, T replaced by C.
Protein change: p.Ser403=; no amino-acid change (serine 403 retained).
Molecular consequence: synonymous variant. On other transcripts: intron variant (137).
Genome position (GRCh38, 1-based): chr17:43,094,322, A>G on the plus strand (T>C on the coding strand, the complement: BRCA1 is on the minus strand). VCF-style: chr17-43094322-A-G. GRCh37 (hg19) VCF-style: chr17-41246339-A-G.
Other names: c.996T>C, p.Ser332= (NM_001407571.1, NM_001407853.1, NM_001407894.1 and 9 more transcripts); c.1209T>C, p.Ser403= (NM_001407581.1, NM_001407582.1, NM_001407583.1 and 30 more transcripts); c.1206T>C, p.Ser402= (NM_001407587.1, NM_001407590.1, NM_001407591.1 and 22 more transcripts); c.1200T>C, p.Ser400= (NM_001407646.1, NM_001407647.1); c.1086T>C, p.Ser362= (NM_001407648.1, NM_001407664.1, NM_001407665.1 and 19 more transcripts); c.1083T>C, p.Ser361= (NM_001407649.1, NM_001407670.1, NM_001407671.1 and 11 more transcripts); c.1131T>C, p.Ser377= (NM_001407653.1, NM_001407654.1, NM_001407655.1 and 4 more transcripts); c.1128T>C, p.Ser376= (NM_001407659.1, NM_001407660.1, NM_001407661.1 and 1 more transcripts); and 40 more.
Identifiers: ClinVar variation 427296 (VCV000427296.4), dbSNP rs369363742, ClinGen allele CA057092.
Genomic context (GRCh38, chr17:43,094,322, plus strand): 5'-AGAATATTCATCTACCTCATTTAGAACGTCCAATACATCAGCTACTTTGGCATTTGATTC[A>G]GACTCCCCATCATGTGAGTCATCAGAACCTAACAGTTCATCACTTCTGGAAAACCACTCA-3'
Protein context (NP_009225.1, residues 393-413): LGSDDSHDGE[Ser403=]ESNAKVADVL